The following is an entry in ClinVar:

NM_032578.4(MYPN):c.459G>T (p.Lys153Asn)

Gene: MYPN (myopalladin; plus strand). Cytogenetic location: 10q21.3.
Variant type: single nucleotide variant.
Coding change: c.459G>T on transcript NM_032578.4 (MANE Select); coding-DNA position 459, G replaced by T.
Protein change: p.Lys153Asn; replaces lysine 153 with asparagine.
Molecular consequence: missense variant. On other transcripts: 5 prime UTR variant (1), non-coding transcript variant (1).
Genome position (GRCh38, 1-based): chr10:68,121,897, G>T. VCF-style: chr10-68121897-G-T. GRCh37 (hg19) VCF-style: chr10-69881654-G-T.
Other names: c.459G>T, p.Lys153Asn (NM_001256267.2); c.-664G>T (NM_001256268.2); short protein forms K153N.
Identifiers: ClinVar variation 645398 (VCV000645398.8), dbSNP rs1589528746, ClinGen allele CA377104398.

ClinVar aggregate classification (germline): Uncertain significance (1 of 4 stars; one submission).

Conditions:
Dilated cardiomyopathy 1KK (CMD1KK). Identifiers: Orphanet 154, Orphanet 75249, MedGen C3714995, MONDO:0014100, OMIM 615248.

Allele frequency attached by ClinVar (database versions not stated): gnomAD exomes below 0.00001.
gnomAD v4.1: 1 of 1,614,166 alleles (0.000062%); highest among the groups gnomAD compares: African/African-American, 0.0013%; no homozygotes.

Submission:

Labcorp Genetics (formerly Invitae), Labcorp
Classification: Uncertain significance for Dilated cardiomyopathy 1KK. Last evaluated: 2022-08-15. Review status: criteria provided, single submitter. Criteria: Invitae Variant Classification Sherloc (09022015). Collection method: clinical testing. Allele origin: germline.
Comment: In summary, the available evidence is currently insufficient to determine the role of this variant in disease. Therefore, it has been classified as a Variant of Uncertain Significance. Algorithms developed to predict the effect of missense changes on protein structure and function are either unavailable or do not agree on the potential impact of this missense change (SIFT: "Deleterious"; PolyPhen-2: "Probably Damaging"; Align-GVGD: "Class C0"). ClinVar contains an entry for this variant (Variation ID: 645398). This variant has not been reported in the literature in individuals affected with MYPN-related conditions. This variant is not present in population databases (gnomAD no frequency). This sequence change replaces lysine, which is basic and polar, with asparagine, which is neutral and polar, at codon 153 of the MYPN protein (p.Lys153Asn).